The following is an entry in ClinVar:

ClinVar aggregate classification (germline): Uncertain significance (1 of 4 stars; one submission).

Conditions:
Gorlin syndrome. Also called: Nevoid Basal Cell Carcinoma Syndrome; Basal cell nevus syndrome. Identifiers: Orphanet 377, MedGen C0004779, MONDO:0007187.

Submission:

Labcorp Genetics (formerly Invitae), Labcorp
Classification: Uncertain significance for Gorlin syndrome. Last evaluated: 2022-12-25. Review status: criteria provided, single submitter. Criteria: Invitae Variant Classification Sherloc (09022015). Collection method: clinical testing. Allele origin: germline.
Comment: In summary, the available evidence is currently insufficient to determine the role of this variant in disease. Therefore, it has been classified as a Variant of Uncertain Significance. Advanced modeling of protein sequence and biophysical properties (such as structural, functional, and spatial information, amino acid conservation, physicochemical variation, residue mobility, and thermodynamic stability) performed at Invitae indicates that this missense variant is not expected to disrupt PTCH1 protein function. This sequence change replaces tyrosine, which is neutral and polar, with serine, which is neutral and polar, at codon 1401 of the PTCH1 protein (p.Tyr1401Ser). This variant is not present in population databases (gnomAD no frequency). This variant has not been reported in the literature in individuals affected with PTCH1-related conditions.

NM_000264.5(PTCH1):c.4202A>C (p.Tyr1401Ser)

Gene: PTCH1 (patched 1; minus strand). Cytogenetic location: 9q22.32.
Variant type: single nucleotide variant.
Coding change: c.4202A>C on transcript NM_000264.5 (MANE Select); coding-DNA position 4202, A replaced by C.
Protein change: p.Tyr1401Ser; replaces tyrosine 1401 with serine.
Molecular consequence: missense variant. On other transcripts: non-coding transcript variant (1).
Genome position (GRCh38, 1-based): chr9:95,447,054, T>G on the plus strand (A>C on the coding strand, the complement: PTCH1 is on the minus strand). VCF-style: chr9-95447054-T-G. GRCh37 (hg19) VCF-style: chr9-98209336-T-G.
Other names: c.4046A>C, p.Tyr1349Ser (NM_001354918.2); c.4004A>C, p.Tyr1335Ser (NM_001083602.3); c.4199A>C, p.Tyr1400Ser (NM_001083603.3); c.3749A>C, p.Tyr1250Ser (NM_001083604.3, NM_001083605.3, NM_001083606.3 and 1 more transcripts); short protein forms Y1335S, Y1401S, Y1400S, Y1250S, Y1349S.
Identifiers: ClinVar variation 2823984 (VCV002823984.3), dbSNP rs1837975310, ClinGen allele CA374110130.